The following is an entry in ClinVar:

NM_003072.5(SMARCA4):c.1344C>A (p.Arg448=)

Gene: SMARCA4 (SWI/SNF related BAF chromatin remodeling complex subunit ATPase 4; plus strand). Cytogenetic location: 19p13.2.
Variant type: single nucleotide variant.
Coding change: c.1344C>A on transcript NM_003072.5 (MANE Select); coding-DNA position 1344, C replaced by A.
Protein change: p.Arg448=; no amino-acid change (arginine 448 retained).
Molecular consequence: synonymous variant. On other transcripts: non-coding transcript variant (1).
Genome position (GRCh38, 1-based): chr19:10,991,248, C>A. VCF-style: chr19-10991248-C-A. GRCh37 (hg19) VCF-style: chr19-11101924-C-A.
Other names: c.1344C>A, p.Arg448= (NM_001128844.3, NM_001128845.2, NM_001128846.2 and 5 more transcripts).
Identifiers: ClinVar variation 415078 (VCV000415078.18), dbSNP rs140328531, ClinGen allele CA9203757.

ClinVar aggregate classification (germline): Benign/Likely benign. Review status: criteria provided, multiple submitters, no conflicts (2 of 4 stars). 3 submissions from 3 submitters: Benign (1); Likely benign (2). Last evaluated 2026-07-10.

Conditions:
Hereditary cancer-predisposing syndrome. Also called: Hereditary Cancer Syndrome; Hereditary neoplastic syndrome; Neoplastic Syndromes, Hereditary; Tumor predisposition. Identifiers: Orphanet 140162, MedGen C0027672, MeSH D009386, MONDO:0015356.
Rhabdoid tumor predisposition syndrome 2 (RTPS2). Identifiers: Orphanet 231108, Orphanet 69077, MedGen C2750074, MONDO:0013224, OMIM 613325.

Allele frequency attached by ClinVar (database versions not stated): TOPMed 0.00001.
gnomAD v4.1: 15 of 1,612,758 alleles (0.00093%); highest among the groups gnomAD compares: Admixed American, 0.0017%; no homozygotes.

Submissions (3):

Myriad Genetics, Inc.
Classification: Benign for Rhabdoid tumor predisposition syndrome 2. Last evaluated: 2026-07-10. Review status: criteria provided, single submitter. Criteria: Myriad Autosomal Dominant, Autosomal Recessive and X-Linked Classification Criteria (2023). Collection method: clinical testing. Allele origin: unknown.
Comment: This variant is considered benign. This variant is a silent/synonymous amino acid change and it is not expected to impact splicing.

Labcorp Genetics (formerly Invitae), Labcorp
Classification: Likely benign for Rhabdoid tumor predisposition syndrome 2. Last evaluated: 2026-02-02. Review status: criteria provided, single submitter. Criteria: Invitae Variant Classification Sherloc (09022015). Collection method: clinical testing. Allele origin: germline.

Ambry Genetics
Classification: Likely benign for Hereditary cancer-predisposing syndrome. Last evaluated: 2015-06-23. Review status: criteria provided, single submitter. Criteria: Ambry Variant Classification Scheme 2023. Collection method: clinical testing. Allele origin: germline.